The following is an entry in ClinVar:

ClinVar aggregate classification (germline): Pathogenic (0 of 4 stars; one submission).

Conditions:
Alkaptonuria (AKU). Also called: Alkaptonuric ochronosis; Homogentisic acidura; Alcaptonuria; HOMOGENTISIC ACID OXIDASE DEFICIENCY. Identifiers: Orphanet 56, MedGen C0002066, MONDO:0008753, OMIM 203500.

Submission:

Department Of Human Genetics, Institute Of Clinical And Translational Research, Biomedical Research Center, Slovak Academy Of Sciences
Classification: Pathogenic for Alkaptonuria. Review status: no assertion criteria provided. Collection method: research. Allele origin: germline. Inheritance: Autosomal recessive inheritance. Affected: yes. Observed: 2 variant alleles.
Comment: The variant has been submitted to the HGD gene mutation database (DB-ID: AKU_00209).

NM_000187.4(HGD):c.787T>C (p.Phe263Leu)

Gene: HGD (homogentisate 1,2-dioxygenase; minus strand). Cytogenetic location: 3q13.33.
Variant type: single nucleotide variant.
Coding change: c.787T>C on transcript NM_000187.4 (MANE Select); coding-DNA position 787, T replaced by C.
Protein change: p.Phe263Leu; replaces phenylalanine 263 with leucine.
Molecular consequence: missense variant.
Genome position (GRCh38, 1-based): chr3:120,641,681, A>G on the plus strand (T>C on the coding strand, the complement: HGD is on the minus strand). VCF-style: chr3-120641681-A-G. GRCh37 (hg19) VCF-style: chr3-120360528-A-G.
Other names: short protein forms F263L.
Identifiers: ClinVar variation 2627719 (VCV002627719.1), dbSNP rs2472681763, ClinGen allele CA354074054.